The following is an entry in ClinVar:

NM_007294.4(BRCA1):c.2412G>A (p.Gln804=)

Gene: BRCA1 (BRCA1 DNA repair associated; minus strand). Cytogenetic location: 17q21.31.
Variant type: single nucleotide variant.
Coding change: c.2412G>A on transcript NM_007294.4 (MANE Select); coding-DNA position 2412, G replaced by A.
Protein change: p.Gln804=; no amino-acid change (glutamine 804 retained).
Molecular consequence: synonymous variant. On other transcripts: intron variant (137).
Genome position (GRCh38, 1-based): chr17:43,093,119, C>T on the plus strand (G>A on the coding strand, the complement: BRCA1 is on the minus strand). VCF-style: chr17-43093119-C-T. GRCh37 (hg19) VCF-style: chr17-41245136-C-T.
Other names: c.2199G>A, p.Gln733= (NM_001407571.1, NM_001407853.1, NM_001407894.1 and 9 more transcripts); c.2412G>A, p.Gln804= (NM_001407581.1, NM_001407582.1, NM_001407583.1 and 30 more transcripts); c.2409G>A, p.Gln803= (NM_001407587.1, NM_001407590.1, NM_001407591.1 and 22 more transcripts); c.2403G>A, p.Gln801= (NM_001407646.1, NM_001407647.1); c.2289G>A, p.Gln763= (NM_001407648.1, NM_001407664.1, NM_001407665.1 and 19 more transcripts); c.2286G>A, p.Gln762= (NM_001407649.1, NM_001407670.1, NM_001407671.1 and 11 more transcripts); c.2334G>A, p.Gln778= (NM_001407653.1, NM_001407654.1, NM_001407655.1 and 4 more transcripts); c.2331G>A, p.Gln777= (NM_001407659.1, NM_001407660.1, NM_001407661.1 and 1 more transcripts); and 41 more.
Identifiers: ClinVar variation 184501 (VCV000184501.25), dbSNP rs55746541, ClinGen allele CA001607.

ClinVar aggregate classification (germline): Likely benign. Review status: reviewed by expert panel (3 of 4 stars). 7 submissions from 7 submitters: Likely benign (1). 6 of the submissions do not count toward it. Last evaluated 2017-06-29.

Conditions:
Hereditary breast ovarian cancer syndrome. Also called: Hereditary breast and ovarian cancer syndrome; Hereditary breast and ovarian cancer syndrome (HBOC); BRCA1- and BRCA2-Associated Hereditary Breast and Ovarian Cancer; Breast and ovarian cancer; Hereditary breast and ovarian cancer; Hereditary breast and/or ovarian cancer syndrome. Identifiers: Orphanet 145, MedGen C0677776, MeSH D061325, MONDO:0003582. Disease mechanism: loss of function.
Hereditary cancer-predisposing syndrome. Also called: Hereditary Cancer Syndrome; Hereditary neoplastic syndrome; Tumor predisposition; Neoplastic Syndromes, Hereditary. Identifiers: Orphanet 140162, MedGen C0027672, MeSH D009386, MONDO:0015356.
Breast-ovarian cancer, familial, susceptibility to, 1 (BROVCA1). Also called: OVARIAN CANCER, SUSCEPTIBILITY TO; BRCA1 Hereditary Breast and Ovarian Cancer. Identifiers: Orphanet 145, MedGen C2676676, MONDO:0011450, OMIM 604370. Disease mechanism: loss of function.

gnomAD v4.1: 2 of 1,613,604 alleles (0.00012%); highest among the groups gnomAD compares: Non-Finnish European, 0.00017%; no homozygotes.

Submissions (7):

Evidence-based Network for the Interpretation of Germline Mutant Alleles (ENIGMA)
Classification: Likely benign for Breast-ovarian cancer, familial, susceptibility to, 1. Last evaluated: 2017-06-29. Review status: reviewed by expert panel. Criteria: ENIGMA BRCA1/2 Classification Criteria (2017-06-29). Collection method: curation. Allele origin: germline.
Comment: Synonymous substitution variant, with low bioinformatic likelihood to result in a splicing aberration (Splicing prior probability 0.02).

Labcorp Genetics (formerly Invitae), Labcorp
Classification: Likely benign for Hereditary breast ovarian cancer syndrome. Last evaluated: 2025-04-14. Review status: criteria provided, single submitter. Criteria: Invitae Variant Classification Sherloc (09022015). Collection method: clinical testing. Allele origin: germline. Not counted in ClinVar's aggregate classification.

GeneDx
Classification: Likely benign. Last evaluated: 2021-03-31. Review status: criteria provided, single submitter. Criteria: GeneDx Variant Classification Process June 2021. Collection method: clinical testing. Allele origin: germline. Affected: yes. Not counted in ClinVar's aggregate classification.

Ambry Genetics
Classification: Likely benign for Hereditary cancer-predisposing syndrome. Last evaluated: 2020-01-07. Review status: criteria provided, single submitter. Criteria: Ambry Variant Classification Scheme 2023. Collection method: clinical testing. Allele origin: germline. Not counted in ClinVar's aggregate classification.

Women's Health and Genetics/Laboratory Corporation of America, LabCorp
Classification: Likely benign. Last evaluated: 2019-10-31. Review status: criteria provided, single submitter. Criteria: LabCorp Variant Classification Summary - May 2015. Collection method: clinical testing. Allele origin: germline. Not counted in ClinVar's aggregate classification.

Quest Diagnostics Nichols Institute San Juan Capistrano
Classification: Likely benign. Last evaluated: 2019-05-04. Review status: criteria provided, single submitter. Criteria: Quest Diagnostics criteria. Collection method: clinical testing. Allele origin: germline. Not counted in ClinVar's aggregate classification.

Color Diagnostics, LLC DBA Color Health
Classification: Likely benign for Hereditary cancer-predisposing syndrome. Last evaluated: 2017-09-16. Review status: criteria provided, single submitter. Criteria: ACMG Guidelines, 2015. Collection method: clinical testing. Allele origin: germline. Not counted in ClinVar's aggregate classification.